The following is an entry in ClinVar:

NM_006648.4(WNK2):c.6290C>G (p.Pro2097Arg)

Gene: WNK2 (WNK lysine deficient protein kinase 2; plus strand). Cytogenetic location: 9q22.31.
Variant type: single nucleotide variant.
Coding change: c.6290C>G on transcript NM_006648.4 (MANE Select); coding-DNA position 6290, C replaced by G.
Protein change: p.Pro2097Arg; replaces proline 2097 with arginine.
Molecular consequence: missense variant.
Genome position (GRCh38, 1-based): chr9:93,308,358, C>G. VCF-style: chr9-93308358-C-G. GRCh37 (hg19) VCF-style: chr9-96070640-C-G.
Other names: c.6401C>G, p.Pro2134Arg (NM_001282394.3); short protein forms P2097R, P2134R.
Identifiers: ClinVar variation 3816570 (VCV003816570.1).

ClinVar aggregate classification (germline): Uncertain significance (1 of 4 stars; one submission).

gnomAD v4.1: 13 of 1,556,560 alleles (0.00084%); highest among the groups gnomAD compares: South Asian, 0.0012%; no homozygotes.

Submission:

Ambry Genetics
Classification: Uncertain significance. Last evaluated: 2024-12-20. Review status: criteria provided, single submitter. Criteria: Ambry Variant Classification Scheme 2023. Collection method: clinical testing. Allele origin: germline.
Comment: The p.P2097R variant (also known as c.6290C>G), located in coding exon 27 of the WNK2 gene, results from a C to G substitution at nucleotide position 6290. The proline at codon 2097 is replaced by arginine, an amino acid with dissimilar properties. This amino acid position is conserved. In addition, the in silico prediction for this alteration is inconclusive. Based on the available evidence, the clinical significance of this variant remains unclear.